The following is an entry in ClinVar:

NM_000742.4(CHRNA2):c.607_629delinsATAAGTCCAG (p.Ser203fs)

Gene: CHRNA2 (cholinergic receptor nicotinic alpha 2 subunit; minus strand). Cytogenetic location: 8p21.2.
Variant type: Indel.
Coding change: c.607_629delinsATAAGTCCAG on transcript NM_000742.4 (MANE Select); coding-DNA positions 607 to 629, TCCTGGACTTATGACAAGGCCAA replaced by ATAAGTCCAG.
Protein change: p.Ser203fs; shifts the reading frame from serine 203.
Molecular consequence: frameshift variant.
Genome position (GRCh38, 1-based): chr8:27,463,814-27,463,836, TTGGCCTTGTCATAAGTCCAGGA replaced by CTGGACTTAT on the plus strand (TCCTGGACTTATGACAAGGCCAA replaced by ATAAGTCCAG on the coding strand, the reverse complement: CHRNA2 is on the minus strand). GRCh37 (hg19): chr8:27,321,331-27,321,353.
Other names: c.562_584delinsATAAGTCCAG, p.Ser188fs (NM_001282455.2); c.130_152delinsATAAGTCCAG, p.Ser44fs (NM_001347705.2, NM_001347706.2); c.13_35delinsATAAGTCCAG, p.Ser5fs (NM_001347707.2, NM_001347708.2); short protein forms S203fs, S188fs, S44fs, S5fs.
Identifiers: ClinVar variation 969097 (VCV000969097.8), dbSNP rs1812608825, ClinGen allele CA1139660413.

ClinVar aggregate classification (germline): Conflicting classifications of pathogenicity. Review status: criteria provided, conflicting classifications (1 of 4 stars). 2 submissions from 2 submitters: Likely pathogenic (1); Likely benign (1). Last evaluated 2025-06-04.

Conditions:
Familial sleep-related hypermotor epilepsy. Also called: Autosomal Dominant Sleep-Related Hypermotor (Hyperkinetic) Epilepsy. Identifiers: Orphanet 98784, MedGen C3696898, MONDO:0000030.
Autosomal dominant nocturnal frontal lobe epilepsy 4. Also called: EPILEPSY, FAMILIAL, WITH NOCTURNAL WANDERING AND ICTAL FEAR; CHRNA2-Related Nocturnal Frontal Lobe Epilepsy, Autosomal Dominant. Identifiers: Orphanet 98784, MedGen C1835905, MONDO:0012474, OMIM 610353.

Submissions (2):

Labcorp Genetics (formerly Invitae), Labcorp
Classification: Likely benign. Last evaluated: 2025-06-04. Review status: criteria provided, single submitter. Criteria: Invitae Variant Classification Sherloc (09022015). Collection method: clinical testing. Allele origin: germline.

New York Genome Center
Classification: Likely pathogenic for Autosomal dominant nocturnal frontal lobe epilepsy 4. Last evaluated: 2022-01-07. Review status: criteria provided, single submitter. Criteria: NYGC Assertion Criteria 2020. Collection method: clinical testing. Allele origin: inherited. Observed: 1 heterozygote. Study: CSER-NYCKidSeq.
Comment: The c.607_629delinsATAAGTCCAG (p.Ser203Ilefs*16) variant identified in the CHRNA2 gene is a deletion insertion variant within exon 6/7 predicted to result in a frameshift of the protein at amino acid 203/530, resulting in the termination of the protein approximately 16 amino acids downstream. This variant is absent from gnomAD suggesting it is not a common benign variant in the populations represented in this database. The p.Ser203Ilefs*16variant is absent from ClinVar, and to our current knowledge has not been reported in affected individuals in the literature, however a similar frameshift variant (p.Ser203Metfs*17) has been reported in an individual with unspecified seizures and developmental delay, although this individual did not undergo comprehensive genetic testing to exclude additional variants [PMID:29778030]. Functional studies suggest loss of channel function or permeability are the mechanism of pathogenicity [PMID:30809122, PMID:25770198], and penetrance is incomplete. The c.607_629delinsATAAGTCCAG (p.Ser203Ilefs*16) variant identified in the CHRNA2 gene is reported here as Likely Pathogenic.